The following is an entry in ClinVar:

ClinVar aggregate classification (germline): Likely pathogenic (1 of 4 stars; one submission).

Conditions:
Intellectual developmental disorder, X-linked 1. Also called: Atkin Flaitz Patil Smith syndrome; Intellectual disability, X-linked 1; MENTAL RETARDATION, X-LINKED 18; MENTAL RETARDATION, X-LINKED 78. Identifiers: Orphanet 777, MedGen C2931498, MONDO:0010656, OMIM 309530.

Submission:

Institute of Human Genetics, University of Leipzig Medical Center
Classification: Likely pathogenic for Intellectual developmental disorder, X-linked 1. Last evaluated: 2025-11-03. Review status: criteria provided, single submitter. Criteria: ACMG Guidelines, 2015. Collection method: clinical testing. Allele origin: de novo. Inheritance: X-linked dominant inheritance. Affected: yes.
Comment: Criteria applied: PVS1,PS2_MOD,PM2

NM_001111125.3(IQSEC2):c.1797_1800dup (p.Asp601Ter)

Gene: IQSEC2 (IQ motif and Sec7 domain ArfGEF 2; minus strand). Cytogenetic location: Xp11.22.
Variant type: Duplication.
Coding change: c.1797_1800dup on transcript NM_001111125.3 (MANE Select); coding-DNA positions 1797 to 1800, 4 bases duplicated (TAGT; older notation c.1797_1800dupTAGT).
Protein change: p.Asp601Ter; replaces aspartic acid 601 with a stop codon.
Molecular consequence: nonsense.
Genome position (GRCh38, 1-based): chrX:53,250,776-53,250,779, ACTA duplicated on the plus strand (TAGT on the coding strand, the reverse complement: IQSEC2 is on the minus strand). VCF-style (leftmost placement, unchanged base first): chrX-53250775-C-CACTA. GRCh37 (hg19) VCF-style: chrX-53279957-C-CACTA.
Other names: c.1797_1800dup, p.Asp601Ter (NM_001410736.1); c.1182_1185dup, p.Asp396Ter (NM_015075.2); short protein forms D396*, D601*.
Identifiers: ClinVar variation 3358953 (VCV003358953.3).